The following is an entry in ClinVar:

NM_001866.3(COX7B):c.21C>A (p.Ser7Arg)

Genes: COX7B (cytochrome c oxidase subunit 7B; plus strand), LOC130068461 (ATAC-STARR-seq lymphoblastoid active region 29782; plus strand). Cytogenetic location: Xq21.1.
Variant type: single nucleotide variant.
Coding change: c.21C>A on transcript NM_001866.3 (MANE Select); coding-DNA position 21, C replaced by A.
Protein change: p.Ser7Arg; replaces serine 7 with arginine.
Molecular consequence: missense variant.
Genome position (GRCh38, 1-based): chrX:77,899,574, C>A. VCF-style: chrX-77899574-C-A. GRCh37 (hg19) VCF-style: chrX-77155071-C-A.
Other names: c.21C>A (NM_001866.2); short protein forms S7R.
Identifiers: ClinVar variation 2881696 (VCV002881696.4), dbSNP rs782218608, ClinGen allele CA10458653.

ClinVar aggregate classification (germline): Conflicting classifications of pathogenicity. Review status: criteria provided, conflicting classifications (1 of 4 stars). 2 submissions from 2 submitters: Uncertain significance (1); Likely benign (1). Last evaluated 2024-08-20.

Conditions:
Inborn genetic diseases. Identifiers: MedGen C0950123, MeSH D030342.

gnomAD v4.1: 15 of 1,210,880 alleles (0.0012%); highest among the groups gnomAD compares: South Asian, 0.021%; 1 homozygote.

Submissions (2):

Ambry Genetics
Classification: Likely benign for Inborn genetic diseases. Last evaluated: 2024-08-20. Review status: criteria provided, single submitter. Criteria: Ambry Variant Classification Scheme 2023. Collection method: clinical testing. Allele origin: germline.

Labcorp Genetics (formerly Invitae), Labcorp
Classification: Uncertain significance. Last evaluated: 2023-11-17. Review status: criteria provided, single submitter. Criteria: Invitae Variant Classification Sherloc (09022015). Collection method: clinical testing. Allele origin: germline.
Comment: This sequence change replaces serine, which is neutral and polar, with arginine, which is basic and polar, at codon 7 of the COX7B protein (p.Ser7Arg). This variant is present in population databases (rs782218608, gnomAD 0.04%). This variant has not been reported in the literature in individuals affected with COX7B-related conditions. Algorithms developed to predict the effect of missense changes on protein structure and function output the following: SIFT: "Not Available"; PolyPhen-2: "Benign"; Align-GVGD: "Not Available". The arginine amino acid residue is found in multiple mammalian species, which suggests that this missense change does not adversely affect protein function. In summary, the available evidence is currently insufficient to determine the role of this variant in disease. Therefore, it has been classified as a Variant of Uncertain Significance.